The following is an entry in ClinVar:

ClinVar aggregate classification (germline): Likely pathogenic (1 of 4 stars; one submission).

Conditions:
Dilated cardiomyopathy 1AA (CMD1AA). Also called: CARDIOMYOPATHY, DILATED, 1AA, WITH OR WITHOUT LEFT VENTRICULAR NONCOMPACTION; CARDIOMYOPATHY, FAMILIAL HYPERTROPHIC, 23, WITH OR WITHOUT LEFT VENTRICULAR NONCOMPACTION; Cardiomyopathy, dilated, 1AA, with or without LVNC. Identifiers: Orphanet 154, MedGen C2677338, MONDO:0012808, OMIM 612158.

Submission:

Victorian Clinical Genetics Services, Murdoch Childrens Research Institute
Classification: Likely pathogenic for Dilated cardiomyopathy 1AA. Last evaluated: 2025-01-27. Review status: criteria provided, single submitter. Criteria: ACMG Guidelines, 2015. Collection method: clinical testing. Allele origin: germline. Affected: yes.
Comment: This variant is classified as Likely pathogenic. Evidence in support of pathogenic classification: Variant is predicted to cause nonsense-mediated decay (NMD) and loss of protein (premature termination codon is located at least 54 nucleotides upstream of the final exon-exon junction); Variant is absent from gnomAD (v2, v3 and v4); Other NMD-predicted variant(s) comparable to the one identified in this case have strong previous evidence for pathogenicity. Other NMD-predicted variants in this gene have been classified as VUS, likely pathogenic and pathogenic, and have been identified in individuals with hypertrophic cardiomyopathy, non-compaction cardiomyopathy, dilated cardiomyopathy and mitral valve prolapse (ClinVar, PMIDs: 36116040, 32973354, 33500567, 28436997, 31333075, VCGS internal database). Additionally, there is an enrichment of truncating variants in cohorts with left ventricular noncompaction cardiomyopathy (PMID: 33500567). Additional information: This variant is heterozygous; This gene is associated with autosomal dominant disease; This variant has no previous evidence of pathogenicity; No published segregation evidence has been identified for this variant; No published functional evidence has been identified for this variant; Loss of function is a known mechanism of disease in this gene and is associated with intrinsic cardiomyopathy (MONDO:0000591), ACTN2-related (OMIM, ClinGen). Loss of function has been demonstrated as a disease mechanism associated with missense variants, while dominant negative has also been suggested and associated with an in-frame deletion (PMID: 34802252). Additionally, loss of function is a likely mechanism of disease for null variants; Variants in this gene are known to have variable expressivity (PMID: 36116040, ClinGen); Inheritance information for this variant is not currently available in this individual.

Literature cited by the submitters: PubMed 34802252; PubMed 28436997; PubMed 31333075; PubMed 33500567; PubMed 32973354; PubMed 36116040.

NM_001103.4(ACTN2):c.1876C>T (p.Gln626Ter)

Gene: ACTN2 (actinin alpha 2; plus strand). Cytogenetic location: 1q43.
Variant type: single nucleotide variant.
Coding change: c.1876C>T on transcript NM_001103.4 (MANE Select); coding-DNA position 1876, C replaced by T.
Protein change: p.Gln626Ter; replaces glutamine 626 with a stop codon.
Molecular consequence: nonsense. On other transcripts: non-coding transcript variant (1).
Genome position (GRCh38, 1-based): chr1:236,753,983, C>T. VCF-style: chr1-236753983-C-T. GRCh37 (hg19) VCF-style: chr1-236917283-C-T.
Other names: c.1876C>T, p.Gln626Ter (NM_001278343.2); short protein forms Q626*.
Identifiers: ClinVar variation 4531404 (VCV004531404.1).